The following is an entry in ClinVar:

NM_001282493.2(GOLGA8K):c.1813C>A (p.His605Asn)

Gene: GOLGA8K (golgin A8 family member K). Cytogenetic location: 15q13.3.
Variant type: single nucleotide variant.
Coding change: c.1813C>A on transcript NM_001282493.2 (MANE Select); coding-DNA position 1813, C replaced by A.
Protein change: p.His605Asn; replaces histidine 605 with asparagine.
Molecular consequence: missense variant.
Genome position (GRCh38, 1-based): chr15:32,392,862, G>T on the plus strand (C>A on the coding strand, the complement: GOLGA8K is on the minus strand). VCF-style: chr15-32392862-G-T. GRCh37 (hg19) VCF-style: chr15-32685063-G-T.
Other names: short protein forms H605N.
Identifiers: ClinVar variation 2645117 (VCV002645117.24), dbSNP rs527825185, ClinGen allele CA7454485.

ClinVar aggregate classification (germline): Likely benign (1 of 4 stars; one submission).

Allele frequency attached by ClinVar (database versions not stated): gnomAD exomes 0.00058; 1000 Genomes Project 0.00160; ExAC 0.00277.

Submission:

CeGaT Center for Human Genetics Tuebingen
Classification: Likely benign. Last evaluated: 2024-05-01. Review status: criteria provided, single submitter. Criteria: CeGaT Center For Human Genetics Tuebingen Variant Classification Criteria Version 2. Collection method: clinical testing. Allele origin: germline. Affected: yes. Observed: 3 variant alleles.
Comment: GOLGA8K: PP2, BP4, BS2